The following is an entry in ClinVar:

NM_001367624.2(ZNF469):c.6910C>A (p.Pro2304Thr)

Gene: ZNF469 (zinc finger protein 469; plus strand). Cytogenetic location: 16q24.2.
Variant type: single nucleotide variant.
Coding change: c.6910C>A on transcript NM_001367624.2 (MANE Select); coding-DNA position 6910, C replaced by A.
Protein change: p.Pro2304Thr; replaces proline 2304 with threonine.
Molecular consequence: missense variant.
Genome position (GRCh38, 1-based): chr16:88,434,380, C>A. VCF-style: chr16-88434380-C-A. GRCh37 (hg19) VCF-style: chr16-88500788-C-A.
Other names: short protein forms P2304T.
Identifiers: ClinVar variation 1968985 (VCV001968985.2), dbSNP rs2507594903, ClinGen allele CA397107671.

ClinVar aggregate classification (germline): Uncertain significance (1 of 4 stars; one submission).

Submission:

Labcorp Genetics (formerly Invitae), Labcorp
Classification: Uncertain significance. Last evaluated: 2022-08-11. Review status: criteria provided, single submitter. Criteria: Invitae Variant Classification Sherloc (09022015). Collection method: clinical testing. Allele origin: germline.
Comment: This sequence change replaces proline, which is neutral and non-polar, with threonine, which is neutral and polar, at codon 2276 of the ZNF469 protein (p.Pro2276Thr). This variant is not present in population databases (gnomAD no frequency). This variant has not been reported in the literature in individuals affected with ZNF469-related conditions. Algorithms developed to predict the effect of missense changes on protein structure and function (SIFT, PolyPhen-2, Align-GVGD) all suggest that this variant is likely to be tolerated. In summary, the available evidence is currently insufficient to determine the role of this variant in disease. Therefore, it has been classified as a Variant of Uncertain Significance.